The following is an entry in ClinVar:

ClinVar aggregate classification (germline): Uncertain significance (1 of 4 stars; one submission).

Allele frequency attached by ClinVar (database versions not stated): gnomAD 0.00001; gnomAD exomes 0.00001; TOPMed 0.00002.
gnomAD v4.1: 12 of 1,143,212 alleles (0.001%); highest among the groups gnomAD compares: Non-Finnish European, 0.0013%; no homozygotes.

Submission:

CeGaT Center for Human Genetics Tuebingen
Classification: Uncertain significance. Last evaluated: 2022-07-01. Review status: criteria provided, single submitter. Criteria: CeGaT Center For Human Genetics Tuebingen Variant Classification Criteria Version 2. Collection method: clinical testing. Allele origin: germline. Affected: yes. Observed: 1 variant allele.
Comment: FOXC1: PM2

NM_001453.3(FOXC1):c.1121C>T (p.Ser374Leu)

Gene: FOXC1 (forkhead box C1; plus strand). Cytogenetic location: 6p25.3.
Variant type: single nucleotide variant.
Coding change: c.1121C>T on transcript NM_001453.3 (MANE Select); coding-DNA position 1121, C replaced by T.
Protein change: p.Ser374Leu; replaces serine 374 with leucine.
Molecular consequence: missense variant.
Genome position (GRCh38, 1-based): chr6:1,611,566, C>T. VCF-style: chr6-1611566-C-T. GRCh37 (hg19) VCF-style: chr6-1611801-C-T.
Other names: short protein forms S374L.
Identifiers: ClinVar variation 2656173 (VCV002656173.24), dbSNP rs1314519590, ClinGen allele CA362560261.
Genomic context (GRCh38, chr6:1,611,566, plus strand): 5'-CGCCCGGCCAGAGCTCCCTCTACAGCTCCCCCTGCAGCCAGACCTCCAGCGCGGGCAGCT[C>T]GGGCGGCGGCGGCGGCGGCGCGGGGGCCGCGGGGGGCGCGGGCGGCGCCGGGACCTACCA-3'
Protein context (NP_001444.2, residues 364-384): PCSQTSSAGS[Ser374Leu]GGGGGGAGAA